The following is an entry in ClinVar:

ClinVar aggregate classification (germline): Uncertain significance. Review status: criteria provided, multiple submitters, no conflicts (2 of 4 stars). 3 submissions from 3 submitters: Uncertain significance (3). Last evaluated 2025-01-19.

Conditions:
Hereditary cancer-predisposing syndrome. Also called: Neoplastic Syndromes, Hereditary; Hereditary neoplastic syndrome; Hereditary Cancer Syndrome; Tumor predisposition. Identifiers: Orphanet 140162, MedGen C0027672, MeSH D009386, MONDO:0015356.
Neuroblastoma, susceptibility to, 3. Also called: ALK-Related Neuroblastic Tumor Susceptibility. Identifiers: Orphanet 635, MedGen C2751681, MONDO:0013083, OMIM 613014.

Allele frequency attached by ClinVar (database versions not stated): ExAC 0.00001; gnomAD exomes 0.00001; TOPMed 0.00002; gnomAD 0.00003 and 0.00004.
gnomAD v4.1: 19 of 1,613,908 alleles (0.0012%); highest among the groups gnomAD compares: Admixed American, 0.013%; no homozygotes.

Submissions (3):

Labcorp Genetics (formerly Invitae), Labcorp
Classification: Uncertain significance for Neuroblastoma, susceptibility to, 3. Last evaluated: 2025-01-19. Review status: criteria provided, single submitter. Criteria: Invitae Variant Classification Sherloc (09022015). Collection method: clinical testing. Allele origin: germline.
Comment: This sequence change replaces valine, which is neutral and non-polar, with alanine, which is neutral and non-polar, at codon 1405 of the ALK protein (p.Val1405Ala). This variant is present in population databases (rs777760767, gnomAD 0.009%). This variant has not been reported in the literature in individuals affected with ALK-related conditions. ClinVar contains an entry for this variant (Variation ID: 659713). An algorithm developed to predict the effect of missense changes on protein structure and function outputs the following: PolyPhen-2: "Benign". The alanine amino acid residue is found in multiple mammalian species, which suggests that this missense change does not adversely affect protein function. In summary, the available evidence is currently insufficient to determine the role of this variant in disease. Therefore, it has been classified as a Variant of Uncertain Significance.

Ambry Genetics
Classification: Uncertain significance for Hereditary cancer-predisposing syndrome. Last evaluated: 2024-07-28. Review status: criteria provided, single submitter. Criteria: Ambry Variant Classification Scheme 2023. Collection method: clinical testing. Allele origin: germline.
Comment: The p.V1405A variant (also known as c.4214T>C), located in coding exon 29 of the ALK gene, results from a T to C substitution at nucleotide position 4214. The valine at codon 1405 is replaced by alanine, an amino acid with similar properties. This amino acid position is conserved. In addition, this alteration is predicted to be tolerated by in silico analysis. Since supporting evidence is limited at this time, the clinical significance of this alteration remains unclear.

Baylor Genetics
Classification: Uncertain significance for Neuroblastoma, susceptibility to, 3. Last evaluated: 2024-01-26. Review status: criteria provided, single submitter. Criteria: ACMG Guidelines, 2015. Collection method: clinical testing. Allele origin: unknown.

NM_004304.5(ALK):c.4214T>C (p.Val1405Ala)

Gene: ALK (ALK receptor tyrosine kinase; minus strand). Cytogenetic location: 2p23.2.
Variant type: single nucleotide variant.
Coding change: c.4214T>C on transcript NM_004304.5 (MANE Select); coding-DNA position 4214, T replaced by C.
Protein change: p.Val1405Ala; replaces valine 1405 with alanine.
Molecular consequence: missense variant.
Genome position (GRCh38, 1-based): chr2:29,193,873, A>G on the plus strand (T>C on the coding strand, the complement: ALK is on the minus strand). VCF-style: chr2-29193873-A-G. GRCh37 (hg19) VCF-style: chr2-29416739-A-G.
Other names: c.1010T>C, p.Val337Ala (NM_001353765.2); short protein forms V1405A, V337A.
Identifiers: ClinVar variation 659713 (VCV000659713.13), dbSNP rs777760767, ClinGen allele CA1593620.